The following is an entry in ClinVar:

NM_000059.4(BRCA2):c.5678G>T (p.Cys1893Phe)

Gene: BRCA2 (BRCA2 DNA repair associated; plus strand). Cytogenetic location: 13q13.1.
Variant type: single nucleotide variant.
Coding change: c.5678G>T on transcript NM_000059.4 (MANE Select); coding-DNA position 5678, G replaced by T.
Protein change: p.Cys1893Phe; replaces cysteine 1893 with phenylalanine.
Molecular consequence: missense variant.
Genome position (GRCh38, 1-based): chr13:32,340,033, G>T. VCF-style: chr13-32340033-G-T. GRCh37 (hg19) VCF-style: chr13-32914170-G-T.
Other names: short protein forms C1893F.
Identifiers: ClinVar variation 975007 (VCV000975007.3), dbSNP rs2072535635, ClinGen allele CA387786211.

ClinVar aggregate classification (germline): Conflicting classifications of pathogenicity. Review status: criteria provided, conflicting classifications (1 of 4 stars). 2 submissions from 2 submitters: Uncertain significance (1); Likely benign (1). Last evaluated 2023-03-23.

Conditions:
Hereditary cancer-predisposing syndrome. Also called: Hereditary Cancer Syndrome; Hereditary neoplastic syndrome; Tumor predisposition; Neoplastic Syndromes, Hereditary. Identifiers: Orphanet 140162, MedGen C0027672, MeSH D009386, MONDO:0015356.

Submissions (2):

University of Washington Department of Laboratory Medicine, University of Washington
Classification: Likely benign for Hereditary cancer-predisposing syndrome. Last evaluated: 2023-03-23. Review status: criteria provided, single submitter. Criteria: Dines et al. (Genet Med. 2020). Collection method: curation. Allele origin: germline.
Comment: Missense variant in a coldspot region where missense variants are very unlikely to be pathogenic (PMID:31911673).

BRCA2 exon 11 coldspot. Reclassification based on statistical prior probability.

Women's Health and Genetics/Laboratory Corporation of America, LabCorp
Classification: Uncertain significance. Last evaluated: 2020-07-21. Review status: criteria provided, single submitter. Criteria: LabCorp Variant Classification Summary - May 2015. Collection method: clinical testing. Allele origin: germline.
Comment: Variant summary: BRCA2 c.5678G>T (p.Cys1893Phe) results in a non-conservative amino acid change located in the BRCA2 repeat region (IPR002093) of the encoded protein sequence. Four of five in-silico tools predict a benign effect of the variant on protein function. The variant was absent in 250446 control chromosomes (gnomAD). The available data on variant occurrences in the general population are insufficient to allow any conclusion about variant significance. To our knowledge, no occurrence of c.5678G>T in individuals affected with Hereditary Breast and Ovarian Cancer Syndrome and no experimental evidence demonstrating its impact on protein function have been reported. No clinical diagnostic laboratories have submitted clinical-significance assessments for this variant to ClinVar after 2014. Based on the evidence outlined above, the variant was classified as uncertain significance.